The following is an entry in ClinVar:

ClinVar aggregate classification (germline): Uncertain significance (1 of 4 stars; one submission).

Allele frequency attached by ClinVar (database versions not stated): gnomAD exomes 0.00002; ExAC 0.00003; gnomAD 0.00014 and 0.00016; TOPMed 0.00019; ESP Exome Variant Server 0.00023.

Submission:

Labcorp Genetics (formerly Invitae), Labcorp
Classification: Uncertain significance. Last evaluated: 2025-10-14. Review status: criteria provided, single submitter. Criteria: Invitae Variant Classification Sherloc (09022015). Collection method: clinical testing. Allele origin: germline.
Comment: This sequence change replaces proline, which is neutral and non-polar, with leucine, which is neutral and non-polar, at codon 154 of the GDF5 protein (p.Pro154Leu). This variant is present in population databases (rs377562252, gnomAD 0.04%). This variant has not been reported in the literature in individuals affected with GDF5-related conditions. ClinVar contains an entry for this variant (Variation ID: 1383530). Invitae Evidence Modeling of protein sequence and biophysical properties (such as structural, functional, and spatial information, amino acid conservation, physicochemical variation, residue mobility, and thermodynamic stability) indicates that this missense variant is not expected to disrupt GDF5 protein function with a negative predictive value of 80%. In summary, the available evidence is currently insufficient to determine the role of this variant in disease. Therefore, it has been classified as a Variant of Uncertain Significance.

NM_000557.5(GDF5):c.461C>T (p.Pro154Leu)

Gene: GDF5 (growth differentiation factor 5; minus strand). Cytogenetic location: 20q11.22.
Variant type: single nucleotide variant.
Coding change: c.461C>T on transcript NM_000557.5 (MANE Select); coding-DNA position 461, C replaced by T.
Protein change: p.Pro154Leu; replaces proline 154 with leucine.
Molecular consequence: missense variant.
Genome position (GRCh38, 1-based): chr20:35,437,468, G>A on the plus strand (C>T on the coding strand, the complement: GDF5 is on the minus strand). VCF-style: chr20-35437468-G-A. GRCh37 (hg19) VCF-style: chr20-34025248-G-A.
Other names: c.461C>T, p.Pro154Leu (NM_001319138.2); short protein forms P154L.
Identifiers: ClinVar variation 1383530 (VCV001383530.5), dbSNP rs377562252, ClinGen allele CA9832346.